The following is an entry in ClinVar:

ClinVar aggregate classification (germline): Uncertain significance (1 of 4 stars; one submission).

gnomAD v4.1: 16 of 1,606,918 alleles (0.001%); highest among the groups gnomAD compares: African/African-American, 0.015%; no homozygotes.

Submission:

Labcorp Genetics (formerly Invitae), Labcorp
Classification: Uncertain significance. Last evaluated: 2025-03-12. Review status: criteria provided, single submitter. Criteria: Invitae Variant Classification Sherloc (09022015). Collection method: clinical testing. Allele origin: germline.
Comment: This sequence change replaces arginine, which is basic and polar, with tryptophan, which is neutral and slightly polar, at codon 23 of the WNK4 protein (p.Arg23Trp). The frequency data for this variant in the population databases is considered unreliable, as metrics indicate poor data quality at this position in the gnomAD database. This variant has not been reported in the literature in individuals affected with WNK4-related conditions. Invitae Evidence Modeling of protein sequence and biophysical properties (such as structural, functional, and spatial information, amino acid conservation, physicochemical variation, residue mobility, and thermodynamic stability) indicates that this missense variant is not expected to disrupt WNK4 protein function with a negative predictive value of 95%. In summary, the available evidence is currently insufficient to determine the role of this variant in disease. Therefore, it has been classified as a Variant of Uncertain Significance.

NM_032387.5(WNK4):c.67C>T (p.Arg23Trp)

Gene: WNK4 (WNK lysine deficient protein kinase 4; plus strand). Cytogenetic location: 17q21.2.
Variant type: single nucleotide variant.
Coding change: c.67C>T on transcript NM_032387.5 (MANE Select); coding-DNA position 67, C replaced by T.
Protein change: p.Arg23Trp; replaces arginine 23 with tryptophan.
Molecular consequence: missense variant. On other transcripts: 5 prime UTR variant (1).
Genome position (GRCh38, 1-based): chr17:42,780,765, C>T. VCF-style: chr17-42780765-C-T. GRCh37 (hg19) VCF-style: chr17-40932783-C-T.
Other names: c.-853C>T (NM_001321299.2); short protein forms R23W.
Identifiers: ClinVar variation 4701293 (VCV004701293.1).